The following is an entry in ClinVar:

NM_001110556.2(FLNA):c.2848A>G (p.Thr950Ala)

Gene: FLNA (filamin A; minus strand). Cytogenetic location: Xq28.
Variant type: single nucleotide variant.
Coding change: c.2848A>G on transcript NM_001110556.2 (MANE Select); coding-DNA position 2848, A replaced by G.
Protein change: p.Thr950Ala; replaces threonine 950 with alanine.
Molecular consequence: missense variant.
Genome position (GRCh38, 1-based): chrX:154,361,766, T>C on the plus strand (A>G on the coding strand, the complement: FLNA is on the minus strand). VCF-style: chrX-154361766-T-C. GRCh37 (hg19) VCF-style: chrX-153590134-T-C.
Other names: c.2848A>G (NM_001456.3); c.2848A>G, p.Thr950Ala (NM_001456.4); short protein forms T950A.
Identifiers: ClinVar variation 2927110 (VCV002927110.4), dbSNP rs2067713184, ClinGen allele CA415231845.
Genomic context (GRCh38, chrX:154,361,766, plus strand): 5'-CCAGGCTTGGAGATACTGCCACTGAGAAAGGGCTCTTAGGGATGGGATCCCCTCCATAAG[T>C]GACATTGACGCCTACTGGACCCTGGGAAGGGTGCAGAAGGGAAGGGGGTATTTAGAGACA-3'
Protein context (NP_001104026.1, residues 940-960): VQQGPVGVNV[Thr950Ala]YGGDPIPKSP

ClinVar aggregate classification (germline): Uncertain significance. Review status: criteria provided, multiple submitters, no conflicts (2 of 4 stars). 2 submissions from 2 submitters: Uncertain significance (2). Last evaluated 2026-08-10.

Conditions:
Familial thoracic aortic aneurysm and aortic dissection (TAAD). Also called: Thoracic aortic aneurysms and dissections. Identifiers: Orphanet 91387, MedGen C4707243, MONDO:0019625.
Oto-palato-digital syndrome, type II (OPD2). Also called: Otopalatodigital Syndrome, Type II; Otopalatodigital Syndrome Type 2 (FLNA-OPD2); FACIOPALATOOSSEOUS SYNDROME; OPD II SYNDROME. Identifiers: Orphanet 669, Orphanet 90652, MedGen C1844696, MONDO:0010571, OMIM 304120.
Melnick-Needles syndrome (MNS). Also called: Melnick-Needles Syndrome (FLNA-MNS); MELNICK-NEEDLES OSTEODYSPLASTY; OSTEODYSPLASTY OF MELNICK AND NEEDLES. Identifiers: Orphanet 2484, MedGen C0025237, MONDO:0010650, OMIM 309350.
Heterotopia, periventricular, X-linked dominant (PVNH1). Also called: PERIVENTRICULAR NODULAR HETEROTOPIA 1; X-linked periventricular heterotopia; PERIVENTRICULAR NODULAR HETEROTOPIA 4; HETEROTOPIA, PERIVENTRICULAR, 1. Identifiers: Orphanet 2149, Orphanet 82004, MedGen C1848213, MONDO:0010233, OMIM 300049.
Frontometaphyseal dysplasia (FMD1). Identifiers: Orphanet 1826, MedGen C0265293, MONDO:0015942.

Submissions (2):

Ambry Genetics
Classification: Uncertain significance for Familial thoracic aortic aneurysm and aortic dissection. Last evaluated: 2026-08-10. Review status: criteria provided, single submitter. Criteria: Ambry Variant Classification Scheme 2023. Collection method: clinical testing. Allele origin: germline.
Comment: The p.T950A variant (also known as c.2848A>G), located in coding exon 19 of the FLNA gene, results from an A to G substitution at nucleotide position 2848. The threonine at codon 950 is replaced by alanine, an amino acid with similar properties. This amino acid position is conserved. In addition, this alteration is predicted to be deleterious by in silico analysis. Based on the available evidence, the clinical significance of this variant remains unclear.

Labcorp Genetics (formerly Invitae), Labcorp
Classification: Uncertain significance for Oto-palato-digital syndrome, type II; Heterotopia, periventricular, X-linked dominant; Frontometaphyseal dysplasia; Melnick-Needles syndrome. Last evaluated: 2023-03-02. Review status: criteria provided, single submitter. Criteria: Invitae Variant Classification Sherloc (09022015). Collection method: clinical testing. Allele origin: germline.
Comment: This sequence change replaces threonine, which is neutral and polar, with alanine, which is neutral and non-polar, at codon 950 of the FLNA protein (p.Thr950Ala). This variant is not present in population databases (gnomAD no frequency). This variant has not been reported in the literature in individuals affected with FLNA-related conditions. Advanced modeling of protein sequence and biophysical properties (such as structural, functional, and spatial information, amino acid conservation, physicochemical variation, residue mobility, and thermodynamic stability) performed at Invitae indicates that this missense variant is not expected to disrupt FLNA protein function. In summary, the available evidence is currently insufficient to determine the role of this variant in disease. Therefore, it has been classified as a Variant of Uncertain Significance.